The following is an entry in ClinVar:

NM_004958.4(MTOR):c.2704A>T (p.Asn902Tyr)

Gene: MTOR (mechanistic target of rapamycin kinase; minus strand). Cytogenetic location: 1p36.22.
Variant type: single nucleotide variant.
Coding change: c.2704A>T on transcript NM_004958.4 (MANE Select); coding-DNA position 2704, A replaced by T.
Protein change: p.Asn902Tyr; replaces asparagine 902 with tyrosine.
Molecular consequence: missense variant.
Genome position (GRCh38, 1-based): chr1:11,231,000, T>A on the plus strand (A>T on the coding strand, the complement: MTOR is on the minus strand). VCF-style: chr1-11231000-T-A. GRCh37 (hg19) VCF-style: chr1-11291057-T-A.
Other names: c.2704A>T, p.Asn902Tyr (NM_001386500.1); c.1456A>T, p.Asn486Tyr (NM_001386501.1); short protein forms N902Y, N486Y.
Identifiers: ClinVar variation 4772171 (VCV004772171.1).
Genomic context (GRCh38, chr1:11,231,000, plus strand): 5'-ACTTGGATTCTGACAGGCTGACAGCAGAGGCATCCCGGGACTGGTCTATCATGCCAATGT[T>A]CACTTTGTGCTTGTAAGGATCCAAAGCCCCTAAAAGCCCTAACACACGGATGGCCTGCGT-3'
Protein context (NP_004949.1, residues 892-912): GALDPYKHKV[Asn902Tyr]IGMIDQSRDA

ClinVar aggregate classification (germline): Uncertain significance (1 of 4 stars; one submission).

Submission:

Labcorp Genetics (formerly Invitae), Labcorp
Classification: Uncertain significance. Last evaluated: 2026-01-12. Review status: criteria provided, single submitter. Criteria: Invitae Variant Classification Sherloc (09022015). Collection method: clinical testing. Allele origin: germline.
Comment: This sequence change replaces asparagine, which is neutral and polar, with tyrosine, which is neutral and polar, at codon 902 of the MTOR protein (p.Asn902Tyr). This variant is present in population databases (rs750640090, gnomAD 0.0009%). This variant has not been reported in the literature in individuals affected with MTOR-related conditions. Invitae Evidence Modeling of protein sequence and biophysical properties (such as structural, functional, and spatial information, amino acid conservation, physicochemical variation, residue mobility, and thermodynamic stability) indicates that this missense variant is not expected to disrupt MTOR protein function with a negative predictive value of 95%. In summary, the available evidence is currently insufficient to determine the role of this variant in disease. Therefore, it has been classified as a Variant of Uncertain Significance.